The following is an entry in ClinVar:

NM_000059.4(BRCA2):c.3599_3600del (p.Asp1199_Cys1200insTer)

Gene: BRCA2 (BRCA2 DNA repair associated; plus strand). Cytogenetic location: 13q13.1.
Variant type: Deletion.
Coding change: c.3599_3600del on transcript NM_000059.4 (MANE Select); coding-DNA positions 3599 to 3600, 2 bases deleted (GT; older notation c.3599_3600delGT).
Protein change: p.Asp1199_Cys1200insTer.
Molecular consequence: nonsense.
Genome position (GRCh38, 1-based): chr13:32,337,954-32,337,955, GT deleted; deleting any 2 consecutive bases within chr13:32,337,953-32,337,955 gives the same sequence; the c. name uses the placement nearest the transcript's 3' end. VCF-style (leftmost placement, unchanged base first): chr13-32337952-CTG-C. GRCh37 (hg19) VCF-style: chr13-32912089-CTG-C.
Other names: 3827delGT; 3826delTG; c.3599_3600delGT (NM_000059.3).
Identifiers: ClinVar variation 51493 (VCV000051493.75), dbSNP rs80359391, ClinGen allele CA018389.
Genomic context (GRCh38, chr13:32,337,952, plus strand): 5'-CAAGCAATTTGAAGGTACAGTTGAAATTAAACGGAAGTTTGCTGGCCTGTTGAAAAATGA[CTG>C]TAACAAAAGTGCTTCTGGTTATTTAACAGATGAAAATGAAGTGGGGTTTAGGGGCTTTTA-3'

ClinVar aggregate classification (germline): Pathogenic. Review status: reviewed by expert panel (3 of 4 stars). 35 submissions from 35 submitters: Pathogenic (1). 34 of the submissions do not count toward it. Last evaluated 2016-09-08.

Conditions:
BRCA2-related cancer predisposition. Identifiers: MedGen CN377758, MONDO:0700269.
Pancreatic cancer, susceptibility to, 2. Identifiers: Orphanet 1333, MedGen C3150546, MONDO:0013235, OMIM 613347.
Glioma susceptibility 3 (GLM3). Also called: Glioblastoma 3. Identifiers: Orphanet 182067, Orphanet 360, MedGen C2751641, MONDO:0013093, OMIM 613029.
Familial prostate cancer. Also called: Hereditary Prostate Cancer. Identifiers: MedGen C2931456, MONDO:0700275, OMIM 176807.
Breast-ovarian cancer, familial, susceptibility to, 2 (BROVCA2). Also called: BRCA2 Hereditary Breast and Ovarian Cancer. Identifiers: Orphanet 145, MedGen C2675520, MONDO:0012933, OMIM 612555. Disease mechanism: loss of function.
Fanconi anemia complementation group D1. Also called: BRCA2-Related Fanconi Anemia. Identifiers: Orphanet 319462, MedGen C1838457, MONDO:0011584, OMIM 605724.
Medulloblastoma (MDB). Also called: Medulloblastoma, somatic; MEDULLOBLASTOMA PREDISPOSITION SYNDROME. Identifiers: Orphanet 616, MedGen C0025149, MeSH D008527, MONDO:0007959, OMIM 155255, HP:0002885.
Wilms tumor 1 (WT1). Also called: Wilms tumor, somatic. Identifiers: Orphanet 654, MedGen CN033288, MONDO:0008679, OMIM 194070.
Familial cancer of breast. Also called: BREAST CANCER, FAMILIAL; hereditary breast carcinoma; Hereditary breast cancer. Identifiers: Orphanet 227535, MedGen C0346153, MONDO:0016419, OMIM 114480. Disease mechanism: loss of function.
BRCA2-related disorder. Also called: BRCA2-related condition; BRCA2-related disorders. Identifiers: MedGen CN239275.
Gastric cancer. Also called: Malignant tumor of stomach; Stomach cancer. Identifiers: MedGen C0024623, MeSH D013274, MONDO:0001056, OMIM 613659, HP:0012126.
Rhabdomyosarcoma. Also called: Rhabdomyosarcoma (disease). Identifiers: Orphanet 780, MedGen C0035412, MeSH D012208, MONDO:0005212, HP:0002859.
Hereditary cancer-predisposing syndrome. Also called: Neoplastic Syndromes, Hereditary; Tumor predisposition; Hereditary Cancer Syndrome; Hereditary neoplastic syndrome. Identifiers: Orphanet 140162, MedGen C0027672, MeSH D009386, MONDO:0015356.
Hereditary breast ovarian cancer syndrome. Also called: Breast and ovarian cancer; Hereditary breast and ovarian cancer; Hereditary breast and ovarian cancer syndrome (HBOC); Hereditary breast and ovarian cancer syndrome; BRCA1- and BRCA2-Associated Hereditary Breast and Ovarian Cancer; Hereditary breast and/or ovarian cancer syndrome. Identifiers: Orphanet 145, MedGen C0677776, MeSH D061325, MONDO:0003582. Disease mechanism: loss of function.
Chordoma. Identifiers: Orphanet 178, MedGen C0008487, MONDO:0008978, HP:0010762.
Breast-ovarian cancer, familial, susceptibility to, 1 (BROVCA1). Also called: BRCA1 Hereditary Breast and Ovarian Cancer; OVARIAN CANCER, SUSCEPTIBILITY TO. Identifiers: Orphanet 145, MedGen C2676676, MONDO:0011450, OMIM 604370. Disease mechanism: loss of function.

Submissions 1 to 8 of 35:

Evidence-based Network for the Interpretation of Germline Mutant Alleles (ENIGMA)
Classification: Pathogenic for Breast-ovarian cancer, familial, susceptibility to, 2. Last evaluated: 2016-09-08. Review status: reviewed by expert panel. Criteria: ENIGMA BRCA1/2 Classification Criteria (2015). Collection method: curation. Allele origin: germline.
Comment: Variant allele predicted to encode a truncated non-functional protein.

Institute of Human Genetics, University of Leipzig Medical Center
Classification: Pathogenic for Familial cancer of breast. Last evaluated: 2026-06-30. Review status: criteria provided, single submitter. Criteria: ACMG Guidelines, 2015. Collection method: clinical testing. Allele origin: maternal. Inheritance: Autosomal dominant inheritance. Affected: yes. Not counted in ClinVar's aggregate classification.
Comment: Criteria applied: PVS1,PM5_STR

Labcorp Genetics (formerly Invitae), Labcorp
Classification: Pathogenic for Hereditary breast ovarian cancer syndrome. Last evaluated: 2025-12-19. Review status: criteria provided, single submitter. Criteria: Invitae Variant Classification Sherloc (09022015). Collection method: clinical testing. Allele origin: germline. Not counted in ClinVar's aggregate classification.
Comment: This sequence change creates a premature translational stop signal (p.Cys1200*) in the BRCA2 gene. It is expected to result in an absent or disrupted protein product. Loss-of-function variants in BRCA2 are known to be pathogenic (PMID: 20104584). This variant is present in population databases (rs80359391, gnomAD 0.01%). This premature translational stop signal has been observed in individual(s) with breast cancer, ovarian cancer, and Fanconi anemia (PMID: 15645491, 16683254, 24504028, 24728189, 25863477). This variant is also known as 3827delGT. ClinVar contains an entry for this variant (Variation ID: 51493). RNA analysis performed to evaluate the impact of this premature translational stop signal on mRNA splicing indicates it does not significantly alter splicing (internal data). For these reasons, this variant has been classified as Pathogenic.

Ambry Genetics
Classification: Pathogenic for Hereditary cancer-predisposing syndrome. Last evaluated: 2025-07-31. Review status: criteria provided, single submitter. Criteria: Ambry Variant Classification Scheme 2023. Collection method: clinical testing. Allele origin: germline. Not counted in ClinVar's aggregate classification.
Comment: The c.3599_3600delGT pathogenic mutation (also known as p.C1200*), located in coding exon 10 of the BRCA2 gene, results from a deletion of two nucleotides at positions 3599 to 3600. This changes the amino acid from a cysteine to a stop codon within coding exon 10. This mutation has been reported in multiple individuals diagnosed with breast or ovarian cancer (De Leon Matsuda ML et al. Int. J. Cancer. 2002 Apr;98:596-603; Hamann U et al. Eur. J. Hum. Genet. 2003 Jun;11:464-7; Cunningham JM et al. Sci. Rep. 2014 Feb;4:4026; Kang E et al. Breast Cancer Res Treat. 2015 May;151:157-68; Hirasawa A et al. Oncotarget. 2017 Dec;8:112258-112267; Kwon BS et al. Cancer Res Treat. 2018 Oct; Lovejoy LA et al. Austin J Cancer Clin Res. 2018 Jun; 5(1):1082; Bhaskaran SP et al. Int J Cancer. 2019 Jan). Of note, this alteration is also designated as 3827delGT in published literature. In addition to the clinical data presented in the literature, this alteration is expected to result in loss of function by premature protein truncation or nonsense-mediated mRNA decay. As such, this alteration is interpreted as a disease-causing mutation.

Catlab - Consorci Sanitari de Terrassa
Classification: Pathogenic for Hereditary cancer-predisposing syndrome. Last evaluated: 2025-03-31. Review status: criteria provided, single submitter. Criteria: ClinGen BRCA1BRCA2 ACMG Specifications BRCA2 V1.2.0. Collection method: clinical testing. Allele origin: germline. Not counted in ClinVar's aggregate classification.
Comment: Based on currently available information, this variant should be considered as Pathogenic according to ClinGen-BRCA2 v1.2.0 guidelines. PVS1, PM5_strong (PTC), PM3.

Center for Genomic Medicine, Rigshospitalet, Copenhagen University Hospital
Classification: Pathogenic. Last evaluated: 2025-03-04. Review status: criteria provided, single submitter. Criteria: ACMG Guidelines, 2015. Collection method: clinical testing. Allele origin: germline. Not counted in ClinVar's aggregate classification.

Revvity Omics, Revvity
Classification: Pathogenic. Last evaluated: 2025-01-07. Review status: criteria provided, single submitter. Criteria: ACMG Guidelines, 2015. Collection method: clinical testing. Allele origin: germline. Not counted in ClinVar's aggregate classification.

Color Diagnostics, LLC DBA Color Health
Classification: Pathogenic for Hereditary cancer-predisposing syndrome. Last evaluated: 2024-11-18. Review status: criteria provided, single submitter. Criteria: ACMG Guidelines, 2015. Collection method: clinical testing. Allele origin: germline. Not counted in ClinVar's aggregate classification.
Comment: This variant deletes 2 nucleotides in exon 11 of the BRCA2 gene, creating a frameshift and premature translation stop signal. This variant is expected to result in an absent or non-functional protein product. This variant has been reported in at least 10 individuals affected with breast and/or ovarian cancer (PMID: 11920621, 12774040, 20104584, 22798144, 24504028, 24728189, 26287763, 29348823, 33471991; Leiden Open Variation Database DB-ID BRCA2_001069) and 2 individuals affected with prostate cancer (PMID: 31214711). This variant has been detected in a compound heterozygous carrier affected with Fanconi anemia (PMID: 15645491). This variant also has been detected in unaffected individuals (PMID: 11920621, 30287823, 31214711, 33471991; Leiden Open Variation Database DB-ID BRCA2_001069) and in 4/251042 chromosomes in the general population by the Genome Aggregation Database (gnomAD). Loss of BRCA2 function is a known mechanism of disease. Based on the available evidence, this variant is classified as Pathogenic.